The following is an entry in ClinVar:

NM_201599.3(ZMYM3):c.857G>T (p.Arg286Leu)

Gene: ZMYM3 (zinc finger MYM-type containing 3; minus strand). Cytogenetic location: Xq13.1.
Variant type: single nucleotide variant.
Coding change: c.857G>T on transcript NM_201599.3 (MANE Select); coding-DNA position 857, G replaced by T.
Protein change: p.Arg286Leu; replaces arginine 286 with leucine.
Molecular consequence: missense variant.
Genome position (GRCh38, 1-based): chrX:71,250,648, C>A on the plus strand (G>T on the coding strand, the complement: ZMYM3 is on the minus strand). VCF-style: chrX-71250648-C-A. GRCh37 (hg19) VCF-style: chrX-70470498-C-A.
Other names: c.857G>T, p.Arg286Leu (NM_001171162.1, NM_001171163.1, NM_005096.3); short protein forms R286L.
Identifiers: ClinVar variation 3375827 (VCV003375827.1).

ClinVar aggregate classification (germline): Uncertain significance (1 of 4 stars; one submission).

Submission:

GeneDx
Classification: Uncertain significance. Last evaluated: 2024-04-22. Review status: criteria provided, single submitter. Criteria: GeneDx Variant Classification Process June 2021. Collection method: clinical testing. Allele origin: germline. Affected: yes.
Comment: Not observed at significant frequency in large population cohorts (gnomAD); In silico analysis indicates that this missense variant does not alter protein structure/function; Has not been previously published as pathogenic or benign to our knowledge